The following is an entry in ClinVar:

ClinVar aggregate classification (germline): Uncertain significance (1 of 4 stars; one submission).

Conditions:
Immunodeficiency, common variable, 14. Identifiers: Orphanet 696904, MedGen C4540380, MONDO:0054691, OMIM 617765.

Submission:

Neuberg Centre For Genomic Medicine, NCGM
Classification: Uncertain significance for Immunodeficiency, common variable, 14. Review status: criteria provided, single submitter. Criteria: ACMG Guidelines, 2015. Collection method: clinical testing. Allele origin: germline. Inheritance: Autosomal dominant inheritance. Affected: yes.
Comment: The missense variant in c.1520C>T (p.Thr507Ile) in IRF2BP2 gene has not been reported previously as a pathogenic variant nor as a benign variant, to our knowledge. This variant has not been reported to the ClinVar database. The p.Asn511Ser variant is novel (not in any individuals) in gnomAD Exomes and 1000 Genomes. The amino acid Thr at position 507 is changed to a Ile changing protein sequence and it might alter its composition and physico-chemical properties. The amino acid change p.Thr507Ile in IRF2BP2 is predicted as conserved by GERP++ and PhyloP across 100 vertebrates. For these reasons, this variant has been classified as Uncertain Significance (VUS).

NM_182972.3(IRF2BP2):c.1520C>T (p.Thr507Ile)

Gene: IRF2BP2 (interferon regulatory factor 2 binding protein 2; minus strand). Cytogenetic location: 1q42.3.
Variant type: single nucleotide variant.
Coding change: c.1520C>T on transcript NM_182972.3 (MANE Select); coding-DNA position 1520, C replaced by T.
Protein change: p.Thr507Ile; replaces threonine 507 with isoleucine.
Molecular consequence: missense variant.
Genome position (GRCh38, 1-based): chr1:234,607,381, G>A on the plus strand (C>T on the coding strand, the complement: IRF2BP2 is on the minus strand). VCF-style: chr1-234607381-G-A. GRCh37 (hg19) VCF-style: chr1-234743127-G-A.
Other names: c.1472C>T, p.Thr491Ile (NM_001077397.1); short protein forms T491I, T507I.
Identifiers: ClinVar variation 2585532 (VCV002585532.1), dbSNP rs776763362, ClinGen allele CA345305324.